The following is an entry in ClinVar:

ClinVar aggregate classification (germline): Uncertain significance. Review status: criteria provided, multiple submitters, no conflicts (2 of 4 stars). 2 submissions from 2 submitters: Uncertain significance (2). Last evaluated 2025-09-30.

Conditions:
Atypical hemolytic-uremic syndrome with C3 anomaly. Also called: AHUS, SUSCEPTIBILITY TO, 5. Identifiers: Orphanet 2134, MedGen C2752037, MONDO:0013043, OMIM 612925.
Age related macular degeneration 9. Identifiers: MedGen C1969651, MONDO:0012659, OMIM 611378.
Complement component 3 deficiency. Identifiers: Orphanet 280133, MedGen C3151071, MONDO:0013417, OMIM 613779.
C3 glomerulonephritis. Also called: Nephropathy due to CFHR5 Deficiency; C3 GLOMERULOPATHY 3. Identifiers: Orphanet 329931, MedGen C4055342, MONDO:0013892, OMIM 614809.
Atypical hemolytic-uremic syndrome. Identifiers: Orphanet 2134, MedGen C2931788, MONDO:0016244.

gnomAD v4.1: 4 of 1,613,876 alleles (0.00025%); highest among the groups gnomAD compares: African/African-American, 0.0013%; no homozygotes.

Submissions (2):

Genomenon, Inc
Classification: Uncertain significance for Complement component 3 deficiency; C3 glomerulonephritis; Atypical hemolytic-uremic syndrome. Last evaluated: 2025-09-30. Review status: criteria provided, single submitter. Criteria: Genomenon Sequence Variant Interpretation Standards. Collection method: curation. Allele origin: germline. Affected: no.
Comment: C3 p.Arg951Leu (c.2852G>T) is a missense variant that changes the amino acid at residue 951 from Arginine to Leucine. This variant has been reported in the published literature (PMID:26826462). It is absent or not present at a significant frequency in gnomAD. In silico models agree that this variant is not damaging. In conclusion, we classify C3 p.Arg951Leu (c.2852G>T) as a variant of unknown significance.

Fulgent Genetics
Classification: Uncertain significance for Age related macular degeneration 9; Atypical hemolytic-uremic syndrome with C3 anomaly; Complement component 3 deficiency. Last evaluated: 2024-04-12. Review status: criteria provided, single submitter. Criteria: ACMG Guidelines, 2015. Collection method: clinical testing. Allele origin: germline.

Literature cited by the submitters: PubMed 26826462 (cited by Genomenon, Inc).

NM_000064.4(C3):c.2852G>T (p.Arg951Leu)

Gene: C3 (complement C3; minus strand). Cytogenetic location: 19p13.3.
Variant type: single nucleotide variant.
Coding change: c.2852G>T on transcript NM_000064.4 (MANE Select); coding-DNA position 2852, G replaced by T.
Protein change: p.Arg951Leu; replaces arginine 951 with leucine.
Molecular consequence: missense variant.
Genome position (GRCh38, 1-based): chr19:6,696,604, C>A on the plus strand (G>T on the coding strand, the complement: C3 is on the minus strand). VCF-style: chr19-6696604-C-A. GRCh37 (hg19) VCF-style: chr19-6696615-C-A.
Other names: short protein forms R951L.
Identifiers: ClinVar variation 3584121 (VCV003584121.2).
Genomic context (GRCh38, chr19:6,696,604, plus strand): 5'-CCCCCTTACCCTGCCAGCCCCTCAGCCCCTCCCCCTGCAGCCGACTCACCACGGCCCAGG[C>A]GTTCTGGATCCAGGGTGCGAACAGCCACAGTTTTGTTCATTCTGATTCCTTCCGGCTACG-3'
Protein context (NP_000055.2, residues 941-961): TVAVRTLDPE[Arg951Leu]LGREGVQKED